The following is an entry in ClinVar:

NM_000138.5(FBN1):c.6073_6090del (p.Ala2025_Ser2030del)

Gene: FBN1 (fibrillin 1; minus strand). Cytogenetic location: 15q21.1.
Variant type: Deletion.
Coding change: c.6073_6090del on transcript NM_000138.5 (MANE Select); coding-DNA positions 6073 to 6090, 18 bases deleted (GCCCTGGGCACATGCAGT).
Protein change: p.Ala2025_Ser2030del.
Molecular consequence: inframe indel (on NM_000138.4).
Genome position (GRCh38, 1-based): chr15:48,441,794-48,441,811, ACTGCATGTGCCCAGGGC deleted on the plus strand (GCCCTGGGCACATGCAGT on the coding strand, the reverse complement: FBN1 is on the minus strand); deleting any 18 consecutive bases within chr15:48,441,794-48,441,813 gives the same sequence; the c. name uses the placement nearest the transcript's 3' end. VCF-style (leftmost placement, unchanged base first): chr15-48441793-TACTGCATGTGCCCAGGGC-T. GRCh37 (hg19) VCF-style: chr15-48733990-TACTGCATGTGCCCAGGGC-T.
Other names: c.6071_6088del18, p.Ala2025_Ser2030del (NM_000138.4); c.6073_6090del, p.Ala2025_Ser2030del (NM_001406716.1).
Identifiers: ClinVar variation 3393454 (VCV003393454.2).

ClinVar aggregate classification (germline): Uncertain significance (1 of 4 stars; one submission).

Conditions:
Marfan syndrome (MFS). Also called: MARFAN SYNDROME, TYPE I; Marfan syndrome type 1; Marfan's syndrome; FBN1-Related Marfan Syndrome; Marfan syndrome, classic. Identifiers: Orphanet 284963, Orphanet 558, MedGen C0024796, MONDO:0007947, OMIM 154700.

Submission:

Department of Endocrinology, The Second Affiliated Hospital of Guangdong Medical University
Classification: Uncertain significance for Marfan syndrome. Review status: criteria provided, single submitter. Criteria: ACMG Guidelines, 2015. Collection method: provider interpretation. Allele origin: de novo. Inheritance: Autosomal dominant inheritance. Affected: yes. Observed: 1 heterozygote.
Comment: The variant FBN1 NM_000138.4:c.6073_6090del (p.Ala2025_Ser2030del) is an in-frame deletion expected to remove six amino acids from the protein without causing a frameshift. This variant has not been reported in the HGMD, ESP6500, 1000 Genomes Project, or dbSNP databases. Based on ACMG/AMP guidelines, the following evidence supports the classification: 1. PM1: The deletion occurs within a highly conserved region of the FBN1 gene, known to be critical for protein function. 2. PM2: The variant is absent in population databases, indicating it is rare. 3. PP2: FBN1 is associated with autosomal dominant Marfan syndrome, a well-established disease mechanism. Based on the above evidence, the variant is classified as Uncertain significance.

Literature cited by the submitters: PubMed 24365078.